The following is an entry in ClinVar:

NM_007294.4(BRCA1):c.3449C>T (p.Pro1150Leu)

Genes: BRCA1 (BRCA1 DNA repair associated; minus strand), LOC126862571 (BRD4-independent group 4 enhancer GRCh37_chr17:41243136-41244335; plus strand). Cytogenetic location: 17q21.31.
Variant type: single nucleotide variant.
Coding change: c.3449C>T on transcript NM_007294.4 (MANE Select); coding-DNA position 3449, C replaced by T.
Protein change: p.Pro1150Leu; replaces proline 1150 with leucine.
Molecular consequence: missense variant. On other transcripts: intron variant (135).
Genome position (GRCh38, 1-based): chr17:43,092,082, G>A on the plus strand (C>T on the coding strand, the complement: BRCA1 is on the minus strand). VCF-style: chr17-43092082-G-A. GRCh37 (hg19) VCF-style: chr17-41244099-G-A.
Other names: c.3236C>T, p.Pro1079Leu (NM_001407571.1, NM_001407853.1, NM_001407894.1 and 9 more transcripts); c.3449C>T, p.Pro1150Leu (NM_001407581.1, NM_001407582.1, NM_001407583.1 and 30 more transcripts); c.3446C>T, p.Pro1149Leu (NM_001407587.1, NM_001407590.1, NM_001407591.1 and 22 more transcripts); c.3440C>T, p.Pro1147Leu (NM_001407646.1, NM_001407647.1); c.3326C>T, p.Pro1109Leu (NM_001407648.1, NM_001407664.1, NM_001407665.1 and 19 more transcripts); c.3323C>T, p.Pro1108Leu (NM_001407649.1, NM_001407670.1, NM_001407671.1 and 11 more transcripts); c.3371C>T, p.Pro1124Leu (NM_001407653.1, NM_001407654.1, NM_001407655.1 and 4 more transcripts); c.3368C>T, p.Pro1123Leu (NM_001407659.1, NM_001407660.1, NM_001407661.1 and 1 more transcripts); and 41 more; short protein forms P1150L, P1103L, P1102L, P1108L, P1124L, P1149L, P282L, P1023L.
Identifiers: ClinVar variation 142830 (VCV000142830.8), dbSNP rs587782752, ClinGen allele CA002229.
Genomic context (GRCh38, chr17:43,092,082, plus strand): 5'-ATGTCATTTTCAGCAAAACTAGTATCTTCCTTTATTTCACCATCATCTAACAGGTCATCA[G>A]GTGTCTCAGAACAAACCTGAGATGCATGACTACTTCCCATAGGCTGTTCTAAGTTATCTG-3'
Protein context (NP_009225.1, residues 1140-1160): SHASQVCSET[Pro1150Leu]DDLLDDGEIK

ClinVar aggregate classification (germline): Conflicting classifications of pathogenicity. Review status: criteria provided, conflicting classifications (1 of 4 stars). 3 submissions from 3 submitters: Uncertain significance (2); Likely benign (1). Last evaluated 2026-06-02.

Conditions:
Hereditary cancer-predisposing syndrome. Also called: Neoplastic Syndromes, Hereditary; Tumor predisposition; Hereditary neoplastic syndrome; Hereditary Cancer Syndrome. Identifiers: Orphanet 140162, MedGen C0027672, MeSH D009386, MONDO:0015356.

Submissions (3):

Ambry Genetics
Classification: Uncertain significance for Hereditary cancer-predisposing syndrome. Last evaluated: 2026-06-02. Review status: criteria provided, single submitter. Criteria: Ambry Variant Classification Scheme 2023. Collection method: clinical testing. Allele origin: germline.
Comment: The p.P1150L variant (also known as c.3449C>T), located in coding exon 9 of the BRCA1 gene, results from a C to T substitution at nucleotide position 3449. The proline at codon 1150 is replaced by leucine, an amino acid with similar properties. This amino acid position is highly conserved in available vertebrate species. In addition, this alteration is predicted to be deleterious by in silico analysis. Based on the available evidence, the clinical significance of this variant remains unclear.

University of Washington Department of Laboratory Medicine, University of Washington
Classification: Likely benign for Hereditary cancer-predisposing syndrome. Last evaluated: 2023-03-23. Review status: criteria provided, single submitter. Criteria: Dines et al. (Genet Med. 2020). Collection method: curation. Allele origin: germline.
Comment: Missense variant in a coldspot region where missense variants are very unlikely to be pathogenic (PMID:31911673).

BRCA1 coldspot (exon 11 using historical exon numbering). Reclassification based on statistical prior probability

Quest Diagnostics Nichols Institute San Juan Capistrano
Classification: Uncertain significance. Last evaluated: 2020-08-12. Review status: criteria provided, single submitter. Criteria: Quest Diagnostics criteria. Collection method: clinical testing. Allele origin: unknown.